The following is an entry in ClinVar:

NM_001346754.2(PIGW):c.1240A>C (p.Ile414Leu)

Genes: MYO19 (myosin XIX; minus strand), PIGW (phosphatidylinositol glycan anchor biosynthesis class W; plus strand). Cytogenetic location: 17q12.
Variant type: single nucleotide variant.
Coding change: c.1240A>C on transcript NM_001346754.2 (MANE Select); coding-DNA position 1240, A replaced by C.
Protein change: p.Ile414Leu; replaces isoleucine 414 with leucine.
Molecular consequence: missense variant.
Genome position (GRCh38, 1-based): chr17:36,538,341, A>C. VCF-style: chr17-36538341-A-C. GRCh37 (hg19) VCF-style: chr17-34894190-A-C.
Other names: c.1240A>C, p.Ile414Leu (NM_001346755.2, NM_178517.5); short protein forms I414L.
Identifiers: ClinVar variation 1423174 (VCV001423174.6), dbSNP rs2142621523, ClinGen allele CA399164548.

ClinVar aggregate classification (germline): Uncertain significance (1 of 4 stars; one submission).

Conditions:
Hyperphosphatasia with intellectual disability syndrome 5 (GPIBD11). Also called: GLYCOSYLPHOSPHATIDYLINOSITOL BIOSYNTHESIS DEFECT 11. Identifiers: Orphanet 247262, MedGen C4014958, MONDO:0014457, OMIM 616025.

Submission:

Labcorp Genetics (formerly Invitae), Labcorp
Classification: Uncertain significance for Hyperphosphatasia with intellectual disability syndrome 5. Last evaluated: 2021-12-01. Review status: criteria provided, single submitter. Criteria: Invitae Variant Classification Sherloc (09022015). Collection method: clinical testing. Allele origin: germline.
Comment: This variant has not been reported in the literature in individuals affected with PIGW-related conditions. This variant is not present in population databases (gnomAD no frequency). This sequence change replaces isoleucine, which is neutral and non-polar, with leucine, which is neutral and non-polar, at codon 414 of the PIGW protein (p.Ile414Leu). In summary, the available evidence is currently insufficient to determine the role of this variant in disease. Therefore, it has been classified as a Variant of Uncertain Significance. Algorithms developed to predict the effect of missense changes on protein structure and function (SIFT, PolyPhen-2, Align-GVGD) all suggest that this variant is likely to be tolerated.